The following is an entry in ClinVar:

NM_003126.4(SPTA1):c.3123G>A (p.Met1041Ile)

Gene: SPTA1 (spectrin alpha, erythrocytic 1; minus strand). Cytogenetic location: 1q23.1.
Variant type: single nucleotide variant.
Coding change: c.3123G>A on transcript NM_003126.4 (MANE Select); coding-DNA position 3123, G replaced by A.
Protein change: p.Met1041Ile; replaces methionine 1041 with isoleucine.
Molecular consequence: missense variant.
Genome position (GRCh38, 1-based): chr1:158,653,339, C>T on the plus strand (G>A on the coding strand, the complement: SPTA1 is on the minus strand). VCF-style: chr1-158653339-C-T. GRCh37 (hg19) VCF-style: chr1-158623129-C-T.
Other names: short protein forms M1041I.
Identifiers: ClinVar variation 1702829 (VCV001702829.2), dbSNP rs1308011828, ClinGen allele CA343038043.

ClinVar aggregate classification (germline): Uncertain significance (1 of 4 stars; one submission).

Allele frequency attached by ClinVar (database versions not stated): gnomAD exomes below 0.00001; TOPMed below 0.00001.

Submission:

GeneDx
Classification: Uncertain significance. Last evaluated: 2022-02-21. Review status: criteria provided, single submitter. Criteria: GeneDx Variant Classification Process June 2021. Collection method: clinical testing. Allele origin: germline. Affected: yes.
Comment: Not observed at significant frequency in large population cohorts (gnomAD); In silico analysis supports that this missense variant does not alter protein structure/function; Has not been previously published as pathogenic or benign to our knowledge